The following is an entry in ClinVar:

ClinVar aggregate classification (germline): Uncertain significance (1 of 4 stars; one submission).

Conditions:
Brugada syndrome. Also called: Sudden Unexplained Death Syndrome; Sudden Unexplained Nocturnal Death Syndrome (SUNDS); Sudden unexpected nocturnal death syndrome; Sudden unexplained nocturnal death syndrome. Identifiers: Orphanet 130, MedGen C1142166, MONDO:0015263.

Allele frequency attached by ClinVar (database versions not stated): gnomAD exomes below 0.00001 and 0.00003; TOPMed 0.00001; ExAC 0.00002; gnomAD 0.00002.
gnomAD v4.1: 9 of 1,614,036 alleles (0.00056%); highest among the groups gnomAD compares: East Asian, 0.018%; no homozygotes.

Submission:

Labcorp Genetics (formerly Invitae), Labcorp
Classification: Uncertain significance for Brugada syndrome. Last evaluated: 2025-08-12. Review status: criteria provided, single submitter. Criteria: Invitae Variant Classification Sherloc (09022015). Collection method: clinical testing. Allele origin: germline.
Comment: This sequence change replaces serine, which is neutral and polar, with phenylalanine, which is neutral and non-polar, at codon 1762 of the SCN10A protein (p.Ser1762Phe). This variant is present in population databases (rs758177964, gnomAD 0.05%). This variant has not been reported in the literature in individuals affected with SCN10A-related conditions. ClinVar contains an entry for this variant (Variation ID: 853358). Invitae Evidence Modeling of protein sequence and biophysical properties (such as structural, functional, and spatial information, amino acid conservation, physicochemical variation, residue mobility, and thermodynamic stability) indicates that this missense variant is expected to disrupt SCN10A protein function with a positive predictive value of 80%. In summary, the available evidence is currently insufficient to determine the role of this variant in disease. Therefore, it has been classified as a Variant of Uncertain Significance.

NM_006514.4(SCN10A):c.5285C>T (p.Ser1762Phe)

Gene: SCN10A (sodium voltage-gated channel alpha subunit 10; minus strand). Cytogenetic location: 3p22.2.
Variant type: single nucleotide variant.
Coding change: c.5285C>T on transcript NM_006514.4 (MANE Select); coding-DNA position 5285, C replaced by T.
Protein change: p.Ser1762Phe; replaces serine 1762 with phenylalanine.
Molecular consequence: missense variant.
Genome position (GRCh38, 1-based): chr3:38,697,935, G>A on the plus strand (C>T on the coding strand, the complement: SCN10A is on the minus strand). VCF-style: chr3-38697935-G-A. GRCh37 (hg19) VCF-style: chr3-38739426-G-A.
Other names: c.5282C>T, p.Ser1761Phe (NM_001293306.2); c.4991C>T, p.Ser1664Phe (NM_001293307.2); short protein forms S1762F, S1664F, S1761F.
Identifiers: ClinVar variation 853358 (VCV000853358.6), dbSNP rs758177964, ClinGen allele CA2319706.